The following is an entry in ClinVar:

ClinVar aggregate classification (germline): Pathogenic (1 of 4 stars; one submission).

Submission:

Labcorp Genetics (formerly Invitae), Labcorp
Classification: Pathogenic. Last evaluated: 2023-07-25. Review status: criteria provided, single submitter. Criteria: Invitae Variant Classification Sherloc (09022015). Collection method: clinical testing. Allele origin: germline.
Comment: This sequence change creates a premature translational stop signal (p.Gly797*) in the MERTK gene. It is expected to result in an absent or disrupted protein product. Loss-of-function variants in MERTK are known to be pathogenic (PMID: 24265693, 29659094). This variant is not present in population databases (gnomAD no frequency). For these reasons, this variant has been classified as Pathogenic. This variant has not been reported in the literature in individuals affected with MERTK-related conditions.

Literature cited by the submitters: PubMed 24265693; PubMed 29659094.

NM_006343.3(MERTK):c.2389G>T (p.Gly797Ter)

Gene: MERTK (MER proto-oncogene, tyrosine kinase; plus strand). Cytogenetic location: 2q13.
Variant type: single nucleotide variant.
Coding change: c.2389G>T on transcript NM_006343.3 (MANE Select); coding-DNA position 2389, G replaced by T.
Protein change: p.Gly797Ter; replaces glycine 797 with a stop codon.
Molecular consequence: nonsense.
Genome position (GRCh38, 1-based): chr2:112,022,297, G>T. VCF-style: chr2-112022297-G-T. GRCh37 (hg19) VCF-style: chr2-112779874-G-T.
Other names: short protein forms G797*.
Identifiers: ClinVar variation 2800950 (VCV002800950.3), dbSNP rs2466916908, ClinGen allele CA348240019.